The following is an entry in ClinVar:

NM_001128431.4(SLC39A14):c.893C>T (p.Ala298Val)

Gene: SLC39A14 (solute carrier family 39 member 14; plus strand). Cytogenetic location: 8p21.3.
Variant type: single nucleotide variant.
Coding change: c.893C>T on transcript NM_001128431.4 (MANE Select); coding-DNA position 893, C replaced by T.
Protein change: p.Ala298Val; replaces alanine 298 with valine.
Molecular consequence: missense variant.
Genome position (GRCh38, 1-based): chr8:22,415,911, C>T. VCF-style: chr8-22415911-C-T. GRCh37 (hg19) VCF-style: chr8-22273424-C-T.
Other names: c.893C>T, p.Ala298Val (NM_001135153.3, NM_001135154.3, NM_001351655.2 and 3 more transcripts); c.923C>T, p.Ala308Val (NM_001351657.2, NM_001351658.2, NM_001351659.2); short protein forms A308V, A298V.
Identifiers: ClinVar variation 1925982 (VCV001925982.3), dbSNP rs747751250, ClinGen allele CA4667458.

ClinVar aggregate classification (germline): Uncertain significance. Review status: criteria provided, multiple submitters, no conflicts (2 of 4 stars). 2 submissions from 2 submitters: Uncertain significance (2). Last evaluated 2022-07-08.

Allele frequency attached by ClinVar (database versions not stated): TOPMed below 0.00001; gnomAD 0.00001; gnomAD exomes 0.00001; ExAC 0.00002.
gnomAD v4.1: 11 of 1,608,952 alleles (0.00068%); highest among the groups gnomAD compares: Admixed American, 0.0051%; no homozygotes.

Submissions (2):

Labcorp Genetics (formerly Invitae), Labcorp
Classification: Uncertain significance. Last evaluated: 2022-07-08. Review status: criteria provided, single submitter. Criteria: Invitae Variant Classification Sherloc (09022015). Collection method: clinical testing. Allele origin: germline.
Comment: This sequence change replaces alanine, which is neutral and non-polar, with valine, which is neutral and non-polar, at codon 298 of the SLC39A14 protein (p.Ala298Val). This variant is present in population databases (rs747751250, gnomAD 0.009%). This variant has not been reported in the literature in individuals affected with SLC39A14-related conditions. Algorithms developed to predict the effect of missense changes on protein structure and function output the following: SIFT: "Tolerated"; PolyPhen-2: "Benign"; Align-GVGD: "Class C0". The valine amino acid residue is found in multiple mammalian species, which suggests that this missense change does not adversely affect protein function. Algorithms developed to predict the effect of sequence changes on RNA splicing suggest that this variant may create or strengthen a splice site. In summary, the available evidence is currently insufficient to determine the role of this variant in disease. Therefore, it has been classified as a Variant of Uncertain Significance.

Breakthrough Genomics
Classification: Uncertain significance. Review status: criteria provided, single submitter. Criteria: ACMG Guidelines, 2015. Collection method: not provided. Allele origin: germline. Inheritance: Autosomal recessive inheritance. Affected: yes.